The following is an entry in ClinVar:

NM_005802.5(TOPORS):c.2513A>T (p.Asn838Ile)

Gene: TOPORS (TOP1 binding arginine/serine rich protein, E3 ubiquitin ligase; minus strand). Cytogenetic location: 9p21.1.
Variant type: single nucleotide variant.
Coding change: c.2513A>T on transcript NM_005802.5 (MANE Select); coding-DNA position 2513, A replaced by T.
Protein change: p.Asn838Ile; replaces asparagine 838 with isoleucine.
Molecular consequence: missense variant.
Genome position (GRCh38, 1-based): chr9:32,542,012, T>A on the plus strand (A>T on the coding strand, the complement: TOPORS is on the minus strand). VCF-style: chr9-32542012-T-A. GRCh37 (hg19) VCF-style: chr9-32542010-T-A.
Other names: c.2318A>T, p.Asn773Ile (NM_001195622.2); short protein forms N773I, N838I.
Identifiers: ClinVar variation 4716680 (VCV004716680.1).

ClinVar aggregate classification (germline): Uncertain significance (1 of 4 stars; one submission).

Submission:

Labcorp Genetics (formerly Invitae), Labcorp
Classification: Uncertain significance. Last evaluated: 2025-04-03. Review status: criteria provided, single submitter. Criteria: Invitae Variant Classification Sherloc (09022015). Collection method: clinical testing. Allele origin: germline.
Comment: This sequence change replaces asparagine, which is neutral and polar, with isoleucine, which is neutral and non-polar, at codon 838 of the TOPORS protein (p.Asn838Ile). This variant is not present in population databases (gnomAD no frequency). This variant has not been reported in the literature in individuals affected with TOPORS-related conditions. Experimental studies and prediction algorithms are not available or were not evaluated, and the functional significance of this variant is currently unknown. In summary, the available evidence is currently insufficient to determine the role of this variant in disease. Therefore, it has been classified as a Variant of Uncertain Significance.